The following is an entry in ClinVar:

NM_138694.4(PKHD1):c.4114C>T (p.Gln1372Ter)

Gene: PKHD1 (PKHD1 ciliary IPT domain containing fibrocystin/polyductin; minus strand). Cytogenetic location: 6p12.2.
Variant type: single nucleotide variant.
Coding change: c.4114C>T on transcript NM_138694.4 (MANE Select); coding-DNA position 4114, C replaced by T.
Protein change: p.Gln1372Ter; replaces glutamine 1372 with a stop codon.
Molecular consequence: nonsense.
Genome position (GRCh38, 1-based): chr6:52,025,696, G>A on the plus strand (C>T on the coding strand, the complement: PKHD1 is on the minus strand). VCF-style: chr6-52025696-G-A. GRCh37 (hg19) VCF-style: chr6-51890494-G-A.
Other names: c.4114C>T, p.Gln1372Ter (NM_170724.3); short protein forms Q1372*.
Identifiers: ClinVar variation 4816658 (VCV004816658.2).

ClinVar aggregate classification (germline): Pathogenic/Likely pathogenic. Review status: criteria provided, multiple submitters, no conflicts (2 of 4 stars). 2 submissions from 2 submitters: Pathogenic (1); Likely pathogenic (1). Last evaluated 2025-08-19.

Conditions:
Autosomal recessive polycystic kidney disease (ARPKD). Also called: AR polycystic kidney disease. Identifiers: Orphanet 731, Orphanet 8378, MedGen C0085548, MeSH D017044, MONDO:0009889.
Polycystic kidney disease 4 (PKD4). Also called: Autosomal Recessive Polycystic Kidney Disease – PKHD1; POLYCYSTIC KIDNEY AND HEPATIC DISEASE 1; POLYCYSTIC KIDNEY DISEASE, INFANTILE, TYPE I; POLYCYSTIC KIDNEY DISEASE 4 WITH OR WITHOUT POLYCYSTIC LIVER DISEASE; PKD3. Identifiers: MedGen C4540575, MONDO:0033004, OMIM 263200.

Submissions (2):

Myriad Genetics, Inc.
Classification: Pathogenic for Polycystic kidney disease 4. Last evaluated: 2025-08-19. Review status: criteria provided, single submitter. Criteria: Myriad Autosomal Dominant, Autosomal Recessive and X-Linked Classification Criteria (2023). Collection method: clinical testing. Allele origin: unknown.
Comment: NM_138694.3(PKHD1):c.4114C>T(Q1372*) is expected to be pathogenic in the context of autosomal recessive polycystic kidney disease, PKHD1-related. This variant is predicted to lead to an abnormal or absent protein product due to the creation of a premature termination codon in PKHD1, a gene where loss-of-function variants are known to be pathogenic. Please note: this variant was assessed in the context of healthy population screening.

Natera, Inc.
Classification: Likely pathogenic for Autosomal recessive polycystic kidney disease. Last evaluated: 2025-06-10. Review status: criteria provided, single submitter. Criteria: Natera Variant Classification Schema (03/2026). Collection method: clinical testing. Allele origin: germline.
Comment: The c.4114C>T variant in PKHD1 is a nonsense variant predicted to introduce a stop codon at amino acid 1372. This variant is expected to result in nonsense mediated decay, truncation, or a dysfunctional protein product. This variant is rare in the general population with a frequency below the threshold expected for the associated phenotype(s). Given the available evidence, this variant is classified as Likely Pathogenic.